The following is an entry in ClinVar:

NM_015443.4(KANSL1):c.2724+5T>G

Gene: KANSL1 (KAT8 regulatory NSL complex subunit 1). Cytogenetic location: 17q21.31.
Variant type: single nucleotide variant.
Coding change: c.2724+5T>G on transcript NM_015443.4 (MANE Select); 5 bases into the intron after coding-DNA position 2724, T replaced by G.
Molecular consequence: intron variant.
Genome position (GRCh38, 1-based): chr17:46,033,398, A>C on the plus strand (T>G on the coding strand, the complement: KANSL1 is on the minus strand). VCF-style: chr17-46033398-A-C. GRCh37 (hg19) VCF-style: chr17-44110764-A-C.
Other names: c.2721+5T>G (NM_001193465.2); c.2724+5T>G (NM_001379198.1, NM_001193466.2).
Identifiers: ClinVar variation 941304 (VCV000941304.9), dbSNP rs1327945886, ClinGen allele CA626333499.

ClinVar aggregate classification (germline): Uncertain significance (1 of 4 stars; one submission).

Conditions:
Koolen-de Vries syndrome (KDVS). Identifiers: Orphanet 96169, MedGen C1864871, MONDO:0012496, OMIM 610443.

Allele frequency attached by ClinVar (database versions not stated): TOPMed below 0.00001; gnomAD exomes below 0.00001.
gnomAD v4.1: 1 of 1,613,930 alleles (0.000062%); highest among the groups gnomAD compares: Admixed American, 0.0017%; no homozygotes.

Submission:

Labcorp Genetics (formerly Invitae), Labcorp
Classification: Uncertain significance for Koolen-de Vries syndrome. Last evaluated: 2023-09-10. Review status: criteria provided, single submitter. Criteria: Invitae Variant Classification Sherloc (09022015). Collection method: clinical testing. Allele origin: germline.
Comment: In summary, the available evidence is currently insufficient to determine the role of this variant in disease. Therefore, it has been classified as a Variant of Uncertain Significance. Variants that disrupt the consensus splice site are a relatively common cause of aberrant splicing (PMID: 17576681, 9536098). Algorithms developed to predict the effect of sequence changes on RNA splicing suggest that this variant is not likely to affect RNA splicing. ClinVar contains an entry for this variant (Variation ID: 941304). This variant has not been reported in the literature in individuals affected with KANSL1-related conditions. This variant is present in population databases (no rsID available, gnomAD 0.003%). This sequence change falls in intron 12 of the KANSL1 gene. It does not directly change the encoded amino acid sequence of the KANSL1 protein. It affects a nucleotide within the consensus splice site.

Literature cited by the submitters: PubMed 17576681; PubMed 9536098.